The following is an entry in ClinVar:

ClinVar aggregate classification (germline): Uncertain significance (1 of 4 stars; one submission).

Allele frequency attached by ClinVar (database versions not stated): gnomAD exomes below 0.00001.
gnomAD v4.1: 2 of 1,613,884 alleles (0.00012%); highest among the groups gnomAD compares: Non-Finnish European, 0.00017%; no homozygotes.

Submission:

Labcorp Genetics (formerly Invitae), Labcorp
Classification: Uncertain significance. Last evaluated: 2021-03-26. Review status: criteria provided, single submitter. Criteria: Invitae Variant Classification Sherloc (09022015). Collection method: clinical testing. Allele origin: germline.
Comment: In summary, the available evidence is currently insufficient to determine the role of this variant in disease. Therefore, it has been classified as a Variant of Uncertain Significance. Algorithms developed to predict the effect of missense changes on protein structure and function are either unavailable or do not agree on the potential impact of this missense change (SIFT: "Deleterious"; PolyPhen-2: "Probably Damaging"; Align-GVGD: "Class C0"). This variant has not been reported in the literature in individuals with TRPM1-related conditions. This variant is not present in population databases (ExAC no frequency). This sequence change replaces leucine with arginine at codon 404 of the TRPM1 protein (p.Leu404Arg). The leucine residue is highly conserved and there is a moderate physicochemical difference between leucine and arginine.

NM_001252024.2(TRPM1):c.1277T>G (p.Leu426Arg)

Gene: TRPM1 (transient receptor potential cation channel subfamily M member 1; minus strand). Cytogenetic location: 15q13.3.
Variant type: single nucleotide variant.
Coding change: c.1277T>G on transcript NM_001252024.2 (MANE Select); coding-DNA position 1277, T replaced by G.
Protein change: p.Leu426Arg; replaces leucine 426 with arginine.
Molecular consequence: missense variant.
Genome position (GRCh38, 1-based): chr15:31,050,569, A>C on the plus strand (T>G on the coding strand, the complement: TRPM1 is on the minus strand). VCF-style: chr15-31050569-A-C. GRCh37 (hg19) VCF-style: chr15-31342772-A-C.
Other names: c.1328T>G, p.Leu443Arg (NM_001252020.2); c.1211T>G, p.Leu404Arg (NM_002420.6); short protein forms L426R, L404R, L443R.
Identifiers: ClinVar variation 1447548 (VCV001447548.8), dbSNP rs1261922170, ClinGen allele CA391518645.